The following is an entry in ClinVar:

NM_005995.5(TBX10):c.1143C>T (p.Gly381=)

Gene: TBX10 (T-box transcription factor 10; minus strand). Cytogenetic location: 11q13.2.
Variant type: single nucleotide variant.
Coding change: c.1143C>T on transcript NM_005995.5 (MANE Select); coding-DNA position 1143, C replaced by T.
Protein change: p.Gly381=; no amino-acid change (glycine 381 retained).
Molecular consequence: synonymous variant.
Genome position (GRCh38, 1-based): chr11:67,631,620, G>A on the plus strand (C>T on the coding strand, the complement: TBX10 is on the minus strand). VCF-style: chr11-67631620-G-A. GRCh37 (hg19) VCF-style: chr11-67399091-G-A.
Identifiers: ClinVar variation 3050470 (VCV003050470.2), dbSNP rs1016503224, ClinGen allele CA224204928.

ClinVar aggregate classification (germline): Likely benign (0 of 4 stars; one submission).

Conditions:
TBX10-related disorder. Also called: TBX10-related condition.

Allele frequency attached by ClinVar (database versions not stated): gnomAD 0.00001; TOPMed 0.00002; gnomAD exomes 0.00006.
gnomAD v4.1: 93 of 1,598,708 alleles (0.0058%); highest among the groups gnomAD compares: Non-Finnish European, 0.0077%; 1 homozygote.

Submission:

PreventionGenetics, part of Exact Sciences
Classification: Likely benign for TBX10-related condition. Last evaluated: 2019-07-22. Review status: no assertion criteria provided. Collection method: clinical testing. Allele origin: germline.
Comment: This variant is classified as likely benign based on ACMG/AMP sequence variant interpretation guidelines (Richards et al. 2015 PMID: 25741868, with internal and published modifications).